The following is an entry in ClinVar:

ClinVar aggregate classification (germline): Likely benign (1 of 4 stars; one submission).

Allele frequency attached by ClinVar (database versions not stated): gnomAD exomes below 0.00001; TOPMed below 0.00001; gnomAD 0.00001.
gnomAD v4.1: 3 of 1,614,104 alleles (0.00019%); highest among the groups gnomAD compares: African/African-American, 0.0027%; no homozygotes.

Submission:

CeGaT Center for Human Genetics Tuebingen
Classification: Likely benign. Last evaluated: 2023-08-01. Review status: criteria provided, single submitter. Criteria: CeGaT Center For Human Genetics Tuebingen Variant Classification Criteria Version 2. Collection method: clinical testing. Allele origin: germline. Affected: yes. Observed: 2 variant alleles.
Comment: HERC2: BP4, BP7

NM_004667.6(HERC2):c.11646T>C (p.Arg3882=)

Gene: HERC2 (HECT and RLD domain containing E3 ubiquitin protein ligase 2; minus strand). Cytogenetic location: 15q13.1.
Variant type: single nucleotide variant.
Coding change: c.11646T>C on transcript NM_004667.6 (MANE Select); coding-DNA position 11646, T replaced by C.
Protein change: p.Arg3882=; no amino-acid change (arginine 3882 retained).
Molecular consequence: synonymous variant.
Genome position (GRCh38, 1-based): chr15:28,142,292, A>G on the plus strand (T>C on the coding strand, the complement: HERC2 is on the minus strand). VCF-style: chr15-28142292-A-G. GRCh37 (hg19) VCF-style: chr15-28387438-A-G.
Identifiers: ClinVar variation 2645039 (VCV002645039.24), dbSNP rs1358951484, ClinGen allele CA488962683.
Genomic context (GRCh38, chr15:28,142,292, plus strand): 5'-CAATACCTCATCAAGAAACAGACGGGGCAACGGTGTTCTTTTGTCAAGGGCCACAGCAAC[A>G]CGGGAGGCCATGCAGTACCTCCGGAACCAGGCCCACTTGTGCGTCTCGGCACAGCAAGGC-3'
Protein context (NP_004658.3, residues 3872-3892): AWFRRYCMAS[Arg3882=]VAVALDKRTP